The following is an entry in ClinVar:

NM_173651.4(FSIP2):c.4316C>G (p.Thr1439Arg)

Genes: FSIP2 (fibrous sheath interacting protein 2; plus strand), FSIP2-AS1 (FSIP2 antisense RNA 1; minus strand). Cytogenetic location: 2q32.1.
Variant type: single nucleotide variant.
Coding change: c.4316C>G on transcript NM_173651.4 (MANE Select); coding-DNA position 4316, C replaced by G.
Protein change: p.Thr1439Arg; replaces threonine 1439 with arginine.
Molecular consequence: missense variant.
Genome position (GRCh38, 1-based): chr2:185,791,452, C>G. VCF-style: chr2-185791452-C-G. GRCh37 (hg19) VCF-style: chr2-186656179-C-G.
Other names: c.4316C>G (NM_173651.3); short protein forms T1439R.
Identifiers: ClinVar variation 2651743 (VCV002651743.24), dbSNP rs192957612, ClinGen allele CA2016646.

ClinVar aggregate classification (germline): Likely benign. Review status: criteria provided, single submitter (1 of 4 stars). 2 submissions from 2 submitters: Likely benign (1). 1 of the submissions does not count toward it. Last evaluated 2025-07-01.

Conditions:
FSIP2-related disorder. Also called: FSIP2-related condition.

Allele frequency attached by ClinVar (database versions not stated): 1000 Genomes Project 0.00120; 1000 Genomes Project 30x 0.00125; ExAC 0.00326; gnomAD 0.00416; TOPMed 0.00433.
gnomAD v4.1: 8,437 of 1,534,156 alleles (0.55%); highest among the groups gnomAD compares: Non-Finnish European, 0.65%; 40 homozygotes.

Submissions (2):

CeGaT Center for Human Genetics Tuebingen
Classification: Likely benign. Last evaluated: 2025-07-01. Review status: criteria provided, single submitter. Criteria: CeGaT Center For Human Genetics Tuebingen Variant Classification Criteria Version 2. Collection method: clinical testing. Allele origin: germline. Affected: yes. Observed: 5 variant alleles.
Comment: FSIP2: BP4, BS2

PreventionGenetics, part of Exact Sciences
Classification: Benign for FSIP2-related condition. Last evaluated: 2024-09-03. Review status: no assertion criteria provided. Collection method: clinical testing. Allele origin: germline. Not counted in ClinVar's aggregate classification.
Comment: This variant is classified as benign based on ACMG/AMP sequence variant interpretation guidelines (Richards et al. 2015 PMID: 25741868, with internal and published modifications).